The following is an entry in ClinVar:

ClinVar aggregate classification (germline): Uncertain significance (1 of 4 stars; one submission).

Conditions:
Hereditary sensory and autonomic neuropathy type 7. Also called: HSAN VII; Neuropathy, hereditary sensory and autonomic, type VII. Identifiers: Orphanet 391397, MedGen C3809882, MONDO:0014244, OMIM 615548.
Familial episodic pain syndrome with predominantly lower limb involvement. Also called: Episodic pain syndrome, familial, 3. Identifiers: Orphanet 391384, Orphanet 391392, MedGen C3809899, MONDO:0014247, OMIM 615552.

Allele frequency attached by ClinVar (database versions not stated): gnomAD 0.00001 and 0.00003; gnomAD exomes 0.00002 and 0.00003; TOPMed 0.00002; ExAC 0.00004.
gnomAD v4.1: 37 of 1,613,874 alleles (0.0023%); highest among the groups gnomAD compares: South Asian, 0.026%; no homozygotes.

Submission:

Labcorp Genetics (formerly Invitae), Labcorp
Classification: Uncertain significance for Familial episodic pain syndrome with predominantly lower limb involvement; Hereditary sensory and autonomic neuropathy type 7. Last evaluated: 2024-05-17. Review status: criteria provided, single submitter. Criteria: Invitae Variant Classification Sherloc (09022015). Collection method: clinical testing. Allele origin: germline.
Comment: This sequence change replaces alanine, which is neutral and non-polar, with valine, which is neutral and non-polar, at codon 630 of the SCN11A protein (p.Ala630Val). This variant is present in population databases (rs763315846, gnomAD 0.02%). This variant has not been reported in the literature in individuals affected with SCN11A-related conditions. ClinVar contains an entry for this variant (Variation ID: 864579). Advanced modeling of protein sequence and biophysical properties (such as structural, functional, and spatial information, amino acid conservation, physicochemical variation, residue mobility, and thermodynamic stability) performed at Invitae indicates that this missense variant is expected to disrupt SCN11A protein function with a positive predictive value of 80%. In summary, the available evidence is currently insufficient to determine the role of this variant in disease. Therefore, it has been classified as a Variant of Uncertain Significance.

NM_001349253.2(SCN11A):c.1889C>T (p.Ala630Val)

Gene: SCN11A (sodium voltage-gated channel alpha subunit 11; minus strand). Cytogenetic location: 3p22.2.
Variant type: single nucleotide variant.
Coding change: c.1889C>T on transcript NM_001349253.2 (MANE Select); coding-DNA position 1889, C replaced by T.
Protein change: p.Ala630Val; replaces alanine 630 with valine.
Molecular consequence: missense variant.
Genome position (GRCh38, 1-based): chr3:38,900,027, G>A on the plus strand (C>T on the coding strand, the complement: SCN11A is on the minus strand). VCF-style: chr3-38900027-G-A. GRCh37 (hg19) VCF-style: chr3-38941518-G-A.
Other names: c.1889C>T, p.Ala630Val (NM_014139.3); short protein forms A630V.
Identifiers: ClinVar variation 864579 (VCV000864579.6), dbSNP rs763315846, ClinGen allele CA2322180.